The following is an entry in ClinVar:

NM_013351.2(TBX21):c.1066T>C (p.Ser356Pro)

Gene: TBX21 (T-box transcription factor 21; plus strand). Cytogenetic location: 17q21.32.
Variant type: single nucleotide variant.
Coding change: c.1066T>C on transcript NM_013351.2 (MANE Select); coding-DNA position 1066, T replaced by C.
Protein change: p.Ser356Pro; replaces serine 356 with proline.
Molecular consequence: missense variant.
Genome position (GRCh38, 1-based): chr17:47,744,824, T>C. VCF-style: chr17-47744824-T-C. GRCh37 (hg19) VCF-style: chr17-45822190-T-C.
Other names: c.1066T>C (NM_013351.1); short protein forms S356P.
Identifiers: ClinVar variation 992544 (VCV000992544.4), dbSNP rs751786712, ClinGen allele CA8626449.

ClinVar aggregate classification (germline): Uncertain significance. Review status: criteria provided, multiple submitters, no conflicts (2 of 4 stars). 3 submissions from 2 submitters: Uncertain significance (3). Last evaluated 2025-06-06.

Conditions:
Asthma, nasal polyps, and aspirin intolerance. Also called: ASA TRIAD. Identifiers: MedGen C1859648, MONDO:0008834, OMIM 208550.
Immunodeficiency 88. Also called: IMMUNODEFICIENCY 88, MYCOBACTERIOSIS, AUTOSOMAL RECESSIVE. Identifiers: MedGen C5562026, MONDO:0030483, OMIM 619630.

Allele frequency attached by ClinVar (database versions not stated): ExAC 0.00010; TOPMed 0.00006; gnomAD exomes 0.00011 and 0.00006; gnomAD 0.00002.
gnomAD v4.1: 37 of 1,613,980 alleles (0.0023%); highest among the groups gnomAD compares: Admixed American, 0.06%; no homozygotes.

Submissions (3):

Ambry Genetics
Classification: Uncertain significance. Last evaluated: 2025-06-06. Review status: criteria provided, single submitter. Criteria: Ambry Variant Classification Scheme 2023. Collection method: clinical testing. Allele origin: germline.

Center for Genomics, Ann and Robert H. Lurie Children's Hospital of Chicago
Classification: Uncertain significance for Asthma, nasal polyps, and aspirin intolerance. Last evaluated: 2019-12-12. Review status: criteria provided, single submitter. Criteria: ACMG Guidelines, 2015. Collection method: clinical testing. Allele origin: germline.
Comment: TBX21 NM_013351.1 exon 6 p.Ser356Pro (c.1066T>C): This variant has not been reported in the literature but is present in 0.07% (27/34592) of Latino alleles in the Genome Aggregation Database. Evolutionary conservation for this variant is unclear; computational predictive tools suggest that this variant may not impact the protein. In summary, data on this variant is insufficient for disease classification. Therefore, the clinical significance of this variant is uncertain.

Center for Genomics, Ann and Robert H. Lurie Children's Hospital of Chicago
Classification: Uncertain significance for Asthma, nasal polyps, and aspirin intolerance; Immunodeficiency 88. Review status: criteria provided, single submitter. Criteria: ACMG Guidelines, 2015. Collection method: clinical testing. Allele origin: germline.
Comment: the same text as in the submission from Center for Genomics, Ann and Robert H. Lurie Children's Hospital of Chicago above.